The following is an entry in ClinVar:

NM_002439.5(MSH3):c.2406C>G (p.Asp802Glu)

Gene: MSH3 (mutS homolog 3; plus strand). Cytogenetic location: 5q14.1.
Variant type: single nucleotide variant.
Coding change: c.2406C>G on transcript NM_002439.5 (MANE Select); coding-DNA position 2406, C replaced by G.
Protein change: p.Asp802Glu; replaces aspartic acid 802 with glutamic acid.
Molecular consequence: missense variant.
Genome position (GRCh38, 1-based): chr5:80,778,807, C>G. VCF-style: chr5-80778807-C-G. GRCh37 (hg19) VCF-style: chr5-80074626-C-G.
Other names: short protein forms D802E.
Identifiers: ClinVar variation 1790796 (VCV001790796.3), dbSNP rs2112007938, ClinGen allele CA360281875.

ClinVar aggregate classification (germline): Uncertain significance. Review status: criteria provided, multiple submitters, no conflicts (2 of 4 stars). 2 submissions from 2 submitters: Uncertain significance (2). Last evaluated 2025-11-11.

Conditions:
Hereditary cancer-predisposing syndrome. Also called: Hereditary Cancer Syndrome; Hereditary neoplastic syndrome; Tumor predisposition; Neoplastic Syndromes, Hereditary. Identifiers: Orphanet 140162, MedGen C0027672, MeSH D009386, MONDO:0015356.

Submissions (2):

Labcorp Genetics (formerly Invitae), Labcorp
Classification: Uncertain significance. Last evaluated: 2025-11-11. Review status: criteria provided, single submitter. Criteria: Invitae Variant Classification Sherloc (09022015). Collection method: clinical testing. Allele origin: germline.
Comment: This sequence change replaces aspartic acid, which is acidic and polar, with glutamic acid, which is acidic and polar, at codon 802 of the MSH3 protein (p.Asp802Glu). This variant is not present in population databases (gnomAD no frequency). This variant has not been reported in the literature in individuals affected with MSH3-related conditions. ClinVar contains an entry for this variant (Variation ID: 1790796). An algorithm developed to predict the effect of missense changes on protein structure and function (PolyPhen-2) suggests that this variant is likely to be disruptive. In summary, the available evidence is currently insufficient to determine the role of this variant in disease. Therefore, it has been classified as a Variant of Uncertain Significance.

Ambry Genetics
Classification: Uncertain significance for Hereditary cancer-predisposing syndrome. Last evaluated: 2020-09-17. Review status: criteria provided, single submitter. Criteria: Ambry Variant Classification Scheme 2023. Collection method: clinical testing. Allele origin: germline.
Comment: The p.D802E variant (also known as c.2406C>G), located in coding exon 17 of the MSH3 gene, results from a C to G substitution at nucleotide position 2406. The aspartic acid at codon 802 is replaced by glutamic acid, an amino acid with highly similar properties. This amino acid position is highly conserved in available vertebrate species. In addition, the in silico prediction for this alteration is inconclusive. Since supporting evidence is limited at this time, the clinical significance of this alteration remains unclear.